The following is an entry in ClinVar:

ClinVar aggregate classification (germline): Uncertain significance. Review status: criteria provided, multiple submitters, no conflicts (2 of 4 stars). 7 submissions from 3 submitters: Uncertain significance (7). Last evaluated 2025-09-11.

Conditions:
Autosomal recessive limb-girdle muscular dystrophy type 2J (LGMDR10). Also called: Limb-girdle muscular dystrophy, type 2J; MUSCULAR DYSTROPHY, LIMB-GIRDLE, AUTOSOMAL RECESSIVE 10. Identifiers: Orphanet 140922, MedGen C1837342, MONDO:0012127, OMIM 608807.
TTN-related disorder. Also called: TTN-related disorders; TTN-related condition; TTN-related disease.
Early-onset myopathy with fatal cardiomyopathy (CMYO5). Also called: Salih Myopathy; CONGENITAL MYOPATHY 5 WITH CARDIOMYOPATHY. Identifiers: Orphanet 289377, MedGen C2673677, MONDO:0012714, OMIM 611705. Disease mechanism: loss of function.
Myopathy, myofibrillar, 9, with early respiratory failure (MFM9). Also called: MYOPATHY, PROXIMAL, WITH EARLY RESPIRATORY MUSCLE INVOLVEMENT; Hereditary myopathy with early respiratory failure; Myopathy, distal, with early respiratory failure, autosomal dominant; EDSTROM MYOPATHY. Identifiers: Orphanet 178464, Orphanet 34521, MedGen C1863599, MONDO:0011362, OMIM 603689.
Dilated cardiomyopathy 1G (CMD1G). Identifiers: Orphanet 154, MedGen C1858763, MONDO:0011400, OMIM 604145.
Tibial muscular dystrophy (TMD). Also called: UDD MYOPATHY; Tibial muscular dystrophy, tardive; Udd Distal Myopathy – Tibial Muscular Dystrophy. Identifiers: Orphanet 609, MedGen C1838244, MONDO:0010870, OMIM 600334.

Allele frequency attached by ClinVar (database versions not stated): gnomAD 0.00001; TOPMed 0.00001; ExAC 0.00002; gnomAD exomes 0.00002.
gnomAD v4.1: 41 of 1,613,456 alleles (0.0025%); highest among the groups gnomAD compares: Non-Finnish European, 0.0032%; no homozygotes.

Submissions (7):

PreventionGenetics, part of Exact Sciences
Classification: Uncertain significance for TTN-related condition. Last evaluated: 2025-09-11. Review status: criteria provided, single submitter. Criteria: ACMG Guidelines, 2015. Collection method: clinical testing. Allele origin: germline.
Comment: The TTN c.80399T>C variant is predicted to result in the amino acid substitution p.Met26800Thr. To our knowledge, this variant has not been reported in the literature. This variant is reported in 0.0029% of alleles in individuals of Latino descent in gnomAD. At this time, the clinical significance of this variant is uncertain due to the absence of conclusive functional and genetic evidence.

Illumina Laboratory Services, Illumina
Classification: Uncertain significance for Dilated cardiomyopathy 1G. Last evaluated: 2018-01-13. Review status: criteria provided, single submitter. Criteria: ICSL Variant Classification Criteria 13 December 2019. Collection method: clinical testing. Allele origin: germline.

Illumina Laboratory Services, Illumina
Classification: Uncertain significance for Myopathy, myofibrillar, 9, with early respiratory failure. Last evaluated: 2018-01-13. Review status: criteria provided, single submitter. Criteria: ICSL Variant Classification Criteria 13 December 2019. Collection method: clinical testing. Allele origin: germline.

Illumina Laboratory Services, Illumina
Classification: Uncertain significance for Early-onset myopathy with fatal cardiomyopathy. Last evaluated: 2018-01-13. Review status: criteria provided, single submitter. Criteria: ICSL Variant Classification Criteria 13 December 2019. Collection method: clinical testing. Allele origin: germline.

Illumina Laboratory Services, Illumina
Classification: Uncertain significance for Autosomal recessive limb-girdle muscular dystrophy type 2J. Last evaluated: 2018-01-13. Review status: criteria provided, single submitter. Criteria: ICSL Variant Classification Criteria 13 December 2019. Collection method: clinical testing. Allele origin: germline.

Illumina Laboratory Services, Illumina
Classification: Uncertain significance for Tibial muscular dystrophy. Last evaluated: 2018-01-13. Review status: criteria provided, single submitter. Criteria: ICSL Variant Classification Criteria 13 December 2019. Collection method: clinical testing. Allele origin: germline.

Labcorp Genetics (formerly Invitae), Labcorp
Classification: Uncertain significance for Dilated cardiomyopathy 1G; Autosomal recessive limb-girdle muscular dystrophy type 2J. Last evaluated: 2017-12-27. Review status: criteria provided, single submitter. Criteria: Invitae Variant Classification Sherloc (09022015). Collection method: clinical testing. Allele origin: germline.

NM_001267550.2(TTN):c.80399T>C (p.Met26800Thr)

Genes: TTN (titin; minus strand), TTN-AS1 (TTN antisense RNA 1; plus strand). Cytogenetic location: 2q31.2.
Variant type: single nucleotide variant.
Coding change: c.80399T>C on transcript NM_001267550.2 (MANE Select); coding-DNA position 80399, T replaced by C.
Protein change: p.Met26800Thr; replaces methionine 26800 with threonine.
Molecular consequence: missense variant.
Genome position (GRCh38, 1-based): chr2:178,565,733, A>G on the plus strand (T>C on the coding strand, the complement: TTN is on the minus strand). VCF-style: chr2-178565733-A-G. GRCh37 (hg19) VCF-style: chr2-179430460-A-G.
Other names: c.75476T>C, p.Met25159Thr (NM_001256850.1); c.53204T>C, p.Met17735Thr (NM_003319.4); c.72695T>C, p.Met24232Thr (NM_133378.4); c.53579T>C, p.Met17860Thr (NM_133432.3); c.53780T>C, p.Met17927Thr (NM_133437.4); short protein forms M24232T, M26800T, M17927T, M17735T, M25159T, M17860T.
Identifiers: ClinVar variation 332768 (VCV000332768.8), dbSNP rs761384994, ClinGen allele CA1989354.